The following is an entry in ClinVar:

NM_001267550.2(TTN):c.17121C>G (p.Tyr5707Ter)

Genes: TTN (titin; minus strand), LOC126806431 (CDK7 strongly-dependent group 2 enhancer GRCh37_chr2:179595719-179596918; plus strand). Cytogenetic location: 2q31.2.
Variant type: single nucleotide variant.
Coding change: c.17121C>G on transcript NM_001267550.2 (MANE Select); coding-DNA position 17121, C replaced by G.
Protein change: p.Tyr5707Ter; replaces tyrosine 5707 with a stop codon.
Molecular consequence: nonsense. On other transcripts: intron variant (3).
Genome position (GRCh38, 1-based): chr2:178,731,754, G>C on the plus strand (C>G on the coding strand, the complement: TTN is on the minus strand). VCF-style: chr2-178731754-G-C. GRCh37 (hg19) VCF-style: chr2-179596481-G-C.
Other names: c.16170C>G, p.Tyr5390Ter (NM_001256850.1); c.13389C>G, p.Tyr4463Ter (NM_133378.4); c.13282+6328C>G (NM_003319.4); c.13858+6328C>G (NM_133437.4); c.13657+6328C>G (NM_133432.3); short protein forms Y5390*, Y4463*, Y5707*.
Identifiers: ClinVar variation 4785989 (VCV004785989.1).

ClinVar aggregate classification (germline): Likely pathogenic (1 of 4 stars; one submission).

Conditions:
Autosomal recessive limb-girdle muscular dystrophy type 2J (LGMDR10). Also called: Limb-girdle muscular dystrophy, type 2J; MUSCULAR DYSTROPHY, LIMB-GIRDLE, AUTOSOMAL RECESSIVE 10. Identifiers: Orphanet 140922, MedGen C1837342, MONDO:0012127, OMIM 608807.
Dilated cardiomyopathy 1G (CMD1G). Identifiers: Orphanet 154, MedGen C1858763, MONDO:0011400, OMIM 604145.

gnomAD v4.1: 1 of 1,613,760 alleles (0.000062%); highest among the groups gnomAD compares: Non-Finnish European, 0.000085%; no homozygotes.

Submission:

Labcorp Genetics (formerly Invitae), Labcorp
Classification: Likely pathogenic for Dilated cardiomyopathy 1G; Autosomal recessive limb-girdle muscular dystrophy type 2J. Last evaluated: 2025-12-31. Review status: criteria provided, single submitter. Criteria: Invitae Variant Classification Sherloc (09022015). Collection method: clinical testing. Allele origin: germline.
Comment: This sequence change creates a premature translational stop signal (p.Tyr5707*) in the TTN gene. While this is not anticipated to result in nonsense mediated decay, it is expected to create a truncated TTN protein. This variant is not present in population databases (gnomAD no frequency). This variant has not been reported in the literature in individuals affected with TTN-related conditions. Algorithms developed to predict the effect of sequence changes on RNA splicing suggest that this variant may disrupt the consensus splice site. This variant is located in the I band of TTN (PMID: 25589632). Truncating variants in this region have been reported in individuals affected with autosomal recessive centronuclear myopathy (PMID: 23975875, internal data). Truncating variants in this region have also been identified in individuals affected with autosomal dominant dilated cardiomyopathy and/or cardio-related conditions (PMID: 27869827, 32964742, internal data). In summary, the currently available evidence indicates that the variant is pathogenic, but additional data are needed to prove that conclusively. Therefore, this variant has been classified as Likely Pathogenic.

Literature cited by the submitters: PubMed 25589632; PubMed 23975875; PubMed 27869827; PubMed 32964742.